The following is an entry in ClinVar:

ClinVar aggregate classification (germline): Uncertain significance (1 of 4 stars; one submission).

gnomAD v4.1: 4 of 1,612,696 alleles (0.00025%); highest among the groups gnomAD compares: Admixed American, 0.0067%; no homozygotes.

Submission:

Labcorp Genetics (formerly Invitae), Labcorp
Classification: Uncertain significance. Last evaluated: 2025-02-19. Review status: criteria provided, single submitter. Criteria: Invitae Variant Classification Sherloc (09022015). Collection method: clinical testing. Allele origin: germline.
Comment: This sequence change replaces alanine, which is neutral and non-polar, with glycine, which is neutral and non-polar, at codon 1827 of the DCHS1 protein (p.Ala1827Gly). This variant is present in population databases (no rsID available, gnomAD 0.003%). This variant has not been reported in the literature in individuals affected with DCHS1-related conditions. Invitae Evidence Modeling of protein sequence and biophysical properties (such as structural, functional, and spatial information, amino acid conservation, physicochemical variation, residue mobility, and thermodynamic stability) indicates that this missense variant is not expected to disrupt DCHS1 protein function with a negative predictive value of 80%. In summary, the available evidence is currently insufficient to determine the role of this variant in disease. Therefore, it has been classified as a Variant of Uncertain Significance.

NM_003737.4(DCHS1):c.5480C>G (p.Ala1827Gly)

Gene: DCHS1 (dachsous cadherin-related 1; minus strand). Cytogenetic location: 11p15.4.
Variant type: single nucleotide variant.
Coding change: c.5480C>G on transcript NM_003737.4 (MANE Select); coding-DNA position 5480, C replaced by G.
Protein change: p.Ala1827Gly; replaces alanine 1827 with glycine.
Molecular consequence: missense variant.
Genome position (GRCh38, 1-based): chr11:6,627,559, G>C on the plus strand (C>G on the coding strand, the complement: DCHS1 is on the minus strand). VCF-style: chr11-6627559-G-C. GRCh37 (hg19) VCF-style: chr11-6648790-G-C.
Other names: short protein forms A1827G.
Identifiers: ClinVar variation 4751013 (VCV004751013.1).
Genomic context (GRCh38, chr11:6,627,559, plus strand): 5'-TCCAGCACTGTCACTGTCAAAAGCAGCGTGGCACTGAGAGCTGGCTGGCCTCCATCCCGG[G>C]CCTCTATCCTCAGCTGGAAAGCTGGCTCCACTTCTCTGTCTAGTGGCCGCATGGTGCCAA-3'
Protein context (NP_003728.1, residues 1817-1837): VEPAFQLRIE[Ala1827Gly]RDGGQPALSA